The following is an entry in ClinVar:

ClinVar aggregate classification (germline): Uncertain significance. Review status: criteria provided, multiple submitters, no conflicts (2 of 4 stars). 3 submissions from 3 submitters: Uncertain significance (3). Last evaluated 2025-04-14.

Conditions:
Inborn genetic diseases. Identifiers: MedGen C0950123, MeSH D030342.
Glutamate pyruvate transaminase 2 deficiency (NEDSPM). Also called: Neurodevelopmental disorder with microcephaly and spastic paraplegia. Identifiers: Orphanet 477673, MedGen C4225388, MONDO:0014567, OMIM 616281.

Allele frequency attached by ClinVar (database versions not stated): gnomAD exomes below 0.00001.

Submissions (3):

Ambry Genetics
Classification: Uncertain significance for Inborn genetic diseases. Last evaluated: 2025-04-14. Review status: criteria provided, single submitter. Criteria: Ambry Variant Classification Scheme 2023. Collection method: clinical testing. Allele origin: germline.
Comment: The c.487G>A (p.V163M) alteration is located in exon 5 (coding exon 4) of the GPT2 gene. This alteration results from a G to A substitution at nucleotide position 487, causing the valine (V) at amino acid position 163 to be replaced by a methionine (M). This variant was not reported in population-based cohorts in the Genome Aggregation Database (gnomAD). This amino acid position is highly conserved in available vertebrate species. This alteration is predicted to be deleterious by in silico analysis. Based on insufficient or conflicting evidence, the clinical significance of this alteration remains unclear.

Diagnostics Services (NGS), CSIR - Centre For Cellular And Molecular Biology
Classification: Uncertain significance for Glutamate pyruvate transaminase 2 deficiency. Last evaluated: 2021-10-12. Review status: criteria provided, single submitter. Criteria: ACMG Guidelines, 2015. Collection method: clinical testing. Allele origin: germline. Inheritance: Autosomal recessive inheritance. Affected: yes. Observed: 1 variant allele, 1 homozygote.
Comment: The c.487G>A variant is not present in publicly available population databases like 1000 Genomes, Exome Variant Server (EVS) and Exome Aggregation Consortium (ExAC). The heterozygous state of the variant is present in Genome Aggregation Database (gnomAD) and dbSNP, at a very low frequency. The variant is not present in Indian Exome Database and in our in-house exome database. The variant was not earlier reported to ClinVar, Human Genome Mutation Database (HGMD) and OMIM databases in any affected individuals. In-silico pathogenicity prediction programs like SIFT, Polyphen-2, MutationTaster2, CADD etc. predicted this variant to be likely disease causing. Varsome predicted this variant as VUS with minor pathogenic evidence but these predictions have not been confirmed by published functional studies and it's clinical significance is uncertain.

GeneDx
Classification: Uncertain significance. Last evaluated: 2020-11-25. Review status: criteria provided, single submitter. Criteria: GeneDx Variant Classification Process June 2021. Collection method: clinical testing. Allele origin: germline. Affected: yes.
Comment: Not observed at a significant frequency in large population cohorts (Lek et al., 2016); In silico analysis supports that this missense variant has a deleterious effect on protein structure/function; Has not been previously published as pathogenic or benign to our knowledge

NM_133443.4(GPT2):c.487G>A (p.Val163Met)

Gene: GPT2 (glutamic--pyruvic transaminase 2; plus strand). Cytogenetic location: 16q11.2.
Variant type: single nucleotide variant.
Coding change: c.487G>A on transcript NM_133443.4 (MANE Select); coding-DNA position 487, G replaced by A.
Protein change: p.Val163Met; replaces valine 163 with methionine.
Molecular consequence: missense variant.
Genome position (GRCh38, 1-based): chr16:46,906,886, G>A. VCF-style: chr16-46906886-G-A. GRCh37 (hg19) VCF-style: chr16-46940798-G-A.
Other names: c.187G>A, p.Val63Met (NM_001142466.3); short protein forms V163M, V63M.
Identifiers: ClinVar variation 1303628 (VCV001303628.7), dbSNP rs1452698180, ClinGen allele CA395782753.